The following is an entry in ClinVar:

NM_000277.3(PAH):c.890G>A (p.Arg297His)

Genes: PAH (phenylalanine hydroxylase; minus strand), LOC126861615 (CDK7 strongly-dependent group 2 enhancer GRCh37_chr12:103244689-103245888; plus strand). Cytogenetic location: 12q23.2.
Variant type: single nucleotide variant.
Coding change: c.890G>A on transcript NM_000277.3 (MANE Select); coding-DNA position 890, G replaced by A.
Protein change: p.Arg297His; replaces arginine 297 with histidine.
Molecular consequence: missense variant.
Genome position (GRCh38, 1-based): chr12:102,851,709, C>T on the plus strand (G>A on the coding strand, the complement: PAH is on the minus strand). VCF-style: chr12-102851709-C-T. GRCh37 (hg19) VCF-style: chr12-103245487-C-T.
Other names: c.890G>A, p.Arg297His (NM_001354304.2); c.890G>A (NM_000277.2); short protein forms R297H.
Identifiers: ClinVar variation 92750 (VCV000092750.59), dbSNP rs62642939, ClinGen allele CA220590.
Genomic context (GRCh38, chr12:102,851,709, plus strand): 5'-AGACCTATAACTAGAAGGCTAAAAAATCCATTCCTTACCTGGGAAAACTGGGCAAAGCTG[C>T]GATCTGAAAACAAGGGCACATGTCCCAACAGCTCATGGCAGATGTCACTGAAAGACAGAA-3'
Protein context (NP_000268.1, residues 287-307): LLGHVPLFSD[Arg297His]SFAQFSQEIG

ClinVar aggregate classification (germline): Pathogenic. Review status: reviewed by expert panel (3 of 4 stars). 11 submissions from 11 submitters: Pathogenic (1). 10 of the submissions do not count toward it. Last evaluated 2019-07-07.

Conditions:
Hyperphenylalaninemia. Also called: Hyperphenylalaninaemia; Hyperphenylalaninemia (HPA); Hyperphenylalaninemia, non-pku. Identifiers: MedGen C0751435, HP:0004923.
Phenylketonuria (PKU). Also called: Phenylketonuria (PKU); OLIGOPHRENIA PHENYLPYRUVICA; Phenylketonurias; FOLLING DISEASE. Identifiers: Orphanet 716, MedGen C0031485, MONDO:0009861, OMIM 261600. Disease mechanism: loss of function.

Allele frequency attached by ClinVar (database versions not stated): gnomAD 0.00003 and 0.00002; gnomAD exomes below 0.00001; ExAC 0.00001; TOPMed 0.00002.
gnomAD v4.1: 39 of 1,613,768 alleles (0.0024%); highest among the groups gnomAD compares: East Asian, 0.0045%; no homozygotes.

Submissions (11):

ClinGen PAH Variant Curation Expert Panel
Classification: Pathogenic for Phenylketonuria. Last evaluated: 2019-07-07. Review status: reviewed by expert panel. Criteria: ClinGen PAH ACMG Specifications v1. Collection method: curation. Allele origin: germline. Inheritance: Autosomal recessive inheritance.
Comment: The c.890G>A (p.Arg297His) variant in PAH has been reported in 6 patients with PKU, in trans with established pathogenic variants (PMID: 9298832,24401910) with BH4 deficiency excluded in one (PMIDs 24401910 & 9298832). This variant has an extremely low allele frequency in gnomAD (2/245792). The arginine at position 297 is in the C-terminal aromatic amino acid hydroxylase domain, and computational prediction tools and conservation analysis suggest that the c.890G>A variant may impact the protein function. Mutant enzyme activity is 20% as compared to wild type (PMID:24401910). Overall, this variant meets criteria to be classified as pathogenic for PAH. PAH-specific ACMG/AMP criteria applied: PP3, PP4_moderate, PM2, PM3_strong, PS3.

Labcorp Genetics (formerly Invitae), Labcorp
Classification: Pathogenic for Phenylketonuria. Last evaluated: 2025-03-31. Review status: criteria provided, single submitter. Criteria: Invitae Variant Classification Sherloc (09022015). Collection method: clinical testing. Allele origin: germline. Not counted in ClinVar's aggregate classification.
Comment: This sequence change replaces arginine, which is basic and polar, with histidine, which is basic and polar, at codon 297 of the PAH protein (p.Arg297His). This variant is present in population databases (rs62642939, gnomAD 0.006%). This missense change has been observed in individual(s) with hyperphenylalaninemia (PMID: 9298832, 16198137, 23430547, 24401910, 25596310). ClinVar contains an entry for this variant (Variation ID: 92750). Invitae Evidence Modeling of protein sequence and biophysical properties (such as structural, functional, and spatial information, amino acid conservation, physicochemical variation, residue mobility, and thermodynamic stability) indicates that this missense variant is not expected to disrupt PAH protein function with a negative predictive value of 80%. Experimental studies have shown that this missense change affects PAH function (PMID: 24401910, 30037505). This variant disrupts the p.Arg297 amino acid residue in PAH. Other variant(s) that disrupt this residue have been determined to be pathogenic (PMID: 8807331, 10234516, 21307867, 23357515, 27121329). This suggests that this residue is clinically significant, and that variants that disrupt this residue are likely to be disease-causing. For these reasons, this variant has been classified as Pathogenic.

Greenwood Genetic Center Diagnostic Laboratories, Greenwood Genetic Center
Classification: Pathogenic for Phenylketonuria. Last evaluated: 2024-05-20. Review status: criteria provided, single submitter. Criteria: ACMG Guidelines, 2015. Collection method: clinical testing. Allele origin: germline. Affected: yes. Not counted in ClinVar's aggregate classification.
Comment: PP3, PP4_moderate, PM2, PM3_strong, PS3

Natera, Inc.
Classification: Pathogenic for Phenylketonuria. Last evaluated: 2024-04-16. Review status: criteria provided, single submitter. Criteria: Natera Variant Classification Schema (03/2026). Collection method: clinical testing. Allele origin: germline. Not counted in ClinVar's aggregate classification.
Comment: The c.890G>A variant in PAH is a missense variant predicted to cause substitution of arginine to histidine at amino acid 297. This variant is rare in the general population with a frequency below the threshold expected for the associated phenotype(s). This variant has been observed in one or more individuals affected with the associated recessive disease, as either homozygous or compound heterozygous with a second variant (PMID: 24401910, 24350308). Given the available evidence, this variant is classified as Pathogenic.

Genomic Medicine Center of Excellence, King Faisal Specialist Hospital and Research Centre
Classification: Pathogenic for Phenylketonuria. Last evaluated: 2024-03-17. Review status: criteria provided, single submitter. Criteria: ACMG Guidelines, 2015. Collection method: research. Allele origin: germline. Not counted in ClinVar's aggregate classification.

CeGaT Center for Human Genetics Tuebingen
Classification: Pathogenic. Last evaluated: 2020-02-01. Review status: criteria provided, single submitter. Criteria: CeGaT Center For Human Genetics Tuebingen Variant Classification Criteria Version 2. Collection method: clinical testing. Allele origin: germline. Affected: yes. Observed: 1 variant allele. Not counted in ClinVar's aggregate classification.

Fulgent Genetics
Classification: Pathogenic for Phenylketonuria. Last evaluated: 2018-10-31. Review status: criteria provided, single submitter. Criteria: ACMG Guidelines, 2015. Collection method: clinical testing. Allele origin: unknown. Not counted in ClinVar's aggregate classification.

Women's Health and Genetics/Laboratory Corporation of America, LabCorp
Classification: Pathogenic for Hyperphenylalaninemia. Last evaluated: 2017-08-11. Review status: criteria provided, single submitter. Criteria: LabCorp Variant Classification Summary - May 2015. Collection method: clinical testing. Allele origin: germline. Not counted in ClinVar's aggregate classification.
Comment: Variant summary: The PAH c.890G>A (p.Arg297His) variant located in the aromatic amino acid hydroxylase, C-terminal domain (via InterPro) involves the alteration of a conserved nucleotide and 4/5 in silico tools predict a damaging outcome. A functional study, Liang_2014, supports these predictions finding the variant to significantly decreased PAH activity. This variant was found in 1/121030 control chromosomes at a frequency of 0.0000083, which does not exceed the estimated maximal expected allele frequency of a pathogenic PAH variant (0.0079057). Multiple publications have cited the variant in affected individuals with mild forms of hyperphenylalaninemia. In addition, multiple clinical diagnostic laboratories/reputable databases classified this variant as pathogenic. Taken together, this variant is classified as pathogenic.

Eurofins Ntd Llc (ga)
Classification: Pathogenic. Last evaluated: 2012-12-21. Review status: criteria provided, single submitter. Criteria: EGL Classification Definitions 2015. Collection method: clinical testing. Allele origin: germline. Observed: 1 variant allele, 1 heterozygote. Not counted in ClinVar's aggregate classification.

Counsyl
Classification: Pathogenic for Phenylketonuria. Last evaluated: 2015-11-17. Review status: no assertion criteria provided. Collection method: clinical testing. Allele origin: unknown. Not counted in ClinVar's aggregate classification.

DeBelle Laboratory for Biochemical Genetics, MUHC/MCH RESEARCH INSTITUTE
No classification provided. Review status: no classification provided. Collection method: not provided. Allele origin: not provided. Not counted in ClinVar's aggregate classification.

Literature cited by the submitters: PubMed 24401910 (cited by 5 submitters); PubMed 9298832 (cited by 3 submitters); PubMed 16198137 (cited by Labcorp Genetics (formerly Invitae), Labcorp and Counsyl); PubMed 23430547 (cited by Labcorp Genetics (formerly Invitae), Labcorp); PubMed 25596310 (cited by Labcorp Genetics (formerly Invitae), Labcorp and Counsyl); PubMed 30037505 (cited by Labcorp Genetics (formerly Invitae), Labcorp); PubMed 8807331 (cited by Labcorp Genetics (formerly Invitae), Labcorp); PubMed 10234516 (cited by Labcorp Genetics (formerly Invitae), Labcorp); PubMed 21307867 (cited by Labcorp Genetics (formerly Invitae), Labcorp); PubMed 23357515 (cited by Labcorp Genetics (formerly Invitae), Labcorp and Counsyl); PubMed 27121329 (cited by Labcorp Genetics (formerly Invitae), Labcorp); PubMed 24350308 (cited by 3 submitters); PubMed 9429153 (cited by Counsyl); PubMed 16879198 (cited by Counsyl); PubMed 10693064 (cited by Counsyl); PubMed 12655553 (cited by Counsyl); PubMed 18346471 (cited by Counsyl); PubMed 10598814 (cited by Counsyl); PubMed 10394930 (cited by Counsyl); PubMed 17924342 (cited by Counsyl).